The following is an entry in ClinVar:

ClinVar aggregate classification (germline): Likely pathogenic (1 of 4 stars; one submission).

Allele frequency attached by ClinVar (database versions not stated): gnomAD 0.00001; gnomAD exomes 0.00001; ExAC 0.00002.
gnomAD v4.1: 17 of 1,612,928 alleles (0.0011%); highest among the groups gnomAD compares: Non-Finnish European, 0.00025%; no homozygotes.

Submission:

Labcorp Genetics (formerly Invitae), Labcorp
Classification: Likely pathogenic. Last evaluated: 2023-06-15. Review status: criteria provided, single submitter. Criteria: Invitae Variant Classification Sherloc (09022015). Collection method: clinical testing. Allele origin: germline.
Comment: This variant is present in population databases (rs778832119, gnomAD 0.03%). In summary, the currently available evidence indicates that the variant is pathogenic, but additional data are needed to prove that conclusively. Therefore, this variant has been classified as Likely Pathogenic. Algorithms developed to predict the effect of sequence changes on RNA splicing suggest that this variant may disrupt the consensus splice site. This variant has not been reported in the literature in individuals affected with ADGRG1-related conditions. This sequence change affects an acceptor splice site in intron 6 of the ADGRG1 gene. It is expected to disrupt RNA splicing. Variants that disrupt the donor or acceptor splice site typically lead to a loss of protein function (PMID: 16199547), and loss-of-function variants in ADGRG1 are known to be pathogenic (PMID: 15044805, 20929962).

Literature cited by the submitters: PubMed 16199547; PubMed 15044805; PubMed 20929962.

NM_201525.4(ADGRG1):c.769-1G>A

Gene: ADGRG1 (adhesion G protein-coupled receptor G1; plus strand). Cytogenetic location: 16q21.
Variant type: single nucleotide variant.
Coding change: c.769-1G>A on transcript NM_201525.4 (MANE Select); the canonical splice acceptor site of the intron before coding-DNA position 769, G replaced by A.
Molecular consequence: splice acceptor variant.
Genome position (GRCh38, 1-based): chr16:57,655,398, G>A. VCF-style: chr16-57655398-G-A. GRCh37 (hg19) VCF-style: chr16-57689310-G-A.
Other names: c.769-1G>A (NM_001370440.1, NM_001370428.1, NM_001370436.1 and 16 more transcripts); c.259-1G>A (NM_001290142.2); c.244-1G>A (NM_001370451.1, NM_001290143.2, NM_001370453.1 and 2 more transcripts); c.613-1G>A (NM_001370442.1); c.784-1G>A (NM_001370433.1, NM_001145773.3).
Identifiers: ClinVar variation 2999186 (VCV002999186.3), dbSNP rs778832119, ClinGen allele CA8078530.
Genomic context (GRCh38, chr16:57,655,398, plus strand): 5'-AGGGTGGGGGGCACGGATCTAGGGGTCCGCATTTGGCTGAGCCCTAAAGGGACCTCTGCA[G>A]GAGGAGCAGAGCGAGATCATGGAGTACTCGGTGCTGCTGCCTCGAACACTCTTCCAGAGG-3'